The following is an entry in ClinVar:

NM_001267550.2(TTN):c.104681G>C (p.Arg34894Thr)

Genes: TTN (titin; minus strand), TTN-AS1 (TTN antisense RNA 1; plus strand). Cytogenetic location: 2q31.2.
Variant type: single nucleotide variant.
Coding change: c.104681G>C on transcript NM_001267550.2 (MANE Select); coding-DNA position 104681, G replaced by C.
Protein change: p.Arg34894Thr; replaces arginine 34894 with threonine.
Molecular consequence: missense variant.
Genome position (GRCh38, 1-based): chr2:178,531,934, C>G on the plus strand (G>C on the coding strand, the complement: TTN is on the minus strand). VCF-style: chr2-178531934-C-G. GRCh37 (hg19) VCF-style: chr2-179396661-C-G.
Other names: c.99758G>C, p.Arg33253Thr (NM_001256850.1); c.77486G>C, p.Arg25829Thr (NM_003319.4); c.96977G>C, p.Arg32326Thr (NM_133378.4); c.77861G>C, p.Arg25954Thr (NM_133432.3); c.78062G>C, p.Arg26021Thr (NM_133437.4); short protein forms R25829T, R25954T, R26021T, R32326T, R33253T, R34894T.
Identifiers: ClinVar variation 3763223 (VCV003763223.2).
Genomic context (GRCh38, chr2:178,531,934, plus strand): 5'-ATGGACTCATACCTGGAAAAGATATCAAATCTTGCAGACCTCTCAAATCTCGAGAGTGAT[C>G]TCTCACTAGACACAGGGCTGGGGGATCGTGGGCGAGTTCTCTCTGGAGTAGGTGACCTTC-3'
Protein context (NP_001254479.2, residues 34884-34904): PRSPSPVSSE[Arg34894Thr]SLSRFERSAR

ClinVar aggregate classification (germline): Uncertain significance (1 of 4 stars; one submission).

Conditions:
Autosomal recessive limb-girdle muscular dystrophy type 2J (LGMDR10). Also called: Limb-girdle muscular dystrophy, type 2J; MUSCULAR DYSTROPHY, LIMB-GIRDLE, AUTOSOMAL RECESSIVE 10. Identifiers: Orphanet 140922, MedGen C1837342, MONDO:0012127, OMIM 608807.
Dilated cardiomyopathy 1G (CMD1G). Identifiers: Orphanet 154, MedGen C1858763, MONDO:0011400, OMIM 604145.

Submission:

Labcorp Genetics (formerly Invitae), Labcorp
Classification: Uncertain significance for Dilated cardiomyopathy 1G; Autosomal recessive limb-girdle muscular dystrophy type 2J. Last evaluated: 2025-12-10. Review status: criteria provided, single submitter. Criteria: Invitae Variant Classification Sherloc (09022015). Collection method: clinical testing. Allele origin: germline.
Comment: This sequence change replaces arginine, which is basic and polar, with threonine, which is neutral and polar, at codon 34894 of the TTN protein (p.Arg34894Thr). This variant is not present in population databases (gnomAD no frequency). This missense change has been observed in individual(s) with clinical features of dilated cardiomyopathy (PMID: 31983221). ClinVar contains an entry for this variant (Variation ID: 3763223). Experimental studies and prediction algorithms are not available or were not evaluated, and the functional significance of this variant is currently unknown. This variant is located in the M band of TTN (PMID: 25589632). Non-truncating variants in this region may be relevant for neuromuscular disorders, but have not been definitively shown to cause cardiomyopathy (PMID: 23975875). In summary, the available evidence is currently insufficient to determine the role of this variant in disease. Therefore, it has been classified as a Variant of Uncertain Significance.

Literature cited by the submitters: PubMed 31983221; PubMed 25589632; PubMed 23975875.